The following is an entry in ClinVar:

ClinVar aggregate classification (germline): Conflicting classifications of pathogenicity. Review status: criteria provided, conflicting classifications (1 of 4 stars). 4 submissions from 4 submitters: Uncertain significance (1); Benign (1); Likely benign (2). Last evaluated 2026-02-04.

Conditions:
Congenital myasthenic syndrome (CMS). Also called: Congenital Myasthenic Syndromes. Identifiers: Orphanet 590, MedGen C0751882, MeSH D020294, MONDO:0018940.
Congenital myasthenic syndrome 4A. Also called: CONGENITAL MYASTHENIC SYNDROME TYPE Ia1; Myasthenic syndrome, congenital, 4a, slow-channel; MYASTHENIC SYNDROME, CONGENITAL, 4A, SLOW-CHANNEL, AUTOSOMAL RECESSIVE. Identifiers: Orphanet 590, MedGen C4225413, MONDO:0011600, OMIM 605809.

Allele frequency attached by ClinVar (database versions not stated): 1000 Genomes Project 0.00060; 1000 Genomes Project 30x 0.00078; gnomAD exomes 0.00118 and 0.00233; TOPMed 0.00119; gnomAD 0.00124 and 0.00131; ESP Exome Variant Server 0.00185; ExAC 0.00193.
gnomAD v4.1: 3,392 of 1,544,984 alleles (0.22%); highest among the groups gnomAD compares: Non-Finnish European, 0.28%; 7 homozygotes.

Submissions (4):

Labcorp Genetics (formerly Invitae), Labcorp
Classification: Benign for Congenital myasthenic syndrome 4A. Last evaluated: 2026-02-04. Review status: criteria provided, single submitter. Criteria: Invitae Variant Classification Sherloc (09022015). Collection method: clinical testing. Allele origin: germline.

Blueprint Genetics
Classification: Likely benign. Last evaluated: 2024-11-15. Review status: criteria provided, single submitter. Criteria: ACMG Guidelines, 2015. Collection method: clinical testing. Allele origin: germline.

Illumina Laboratory Services, Illumina
Classification: Uncertain significance for Congenital myasthenic syndrome. Last evaluated: 2018-01-13. Review status: criteria provided, single submitter. Criteria: ICSL Variant Classification Criteria 13 December 2019. Collection method: clinical testing. Allele origin: germline.

GeneDx
Classification: Likely benign. Last evaluated: 2016-10-12. Review status: criteria provided, single submitter. Criteria: GeneDx Variant Classification (06012015). Collection method: clinical testing. Allele origin: germline. Affected: yes.
Comment: This variant is considered likely benign or benign based on one or more of the following criteria: it is a conservative change, it occurs at a poorly conserved position in the protein, it is predicted to be benign by multiple in silico algorithms, and/or has population frequency not consistent with disease.

NM_000080.4(CHRNE):c.918-14T>C

Genes: C17orf107 (chromosome 17 open reading frame 107; plus strand), CHRNE (cholinergic receptor nicotinic epsilon subunit; minus strand). Cytogenetic location: 17p13.2.
Variant type: single nucleotide variant.
Coding change: c.918-14T>C on transcript NM_000080.4 (MANE Select); 14 bases into the intron before coding-DNA position 918, T replaced by C.
Molecular consequence: intron variant. On other transcripts: 5 prime UTR variant (1).
Genome position (GRCh38, 1-based): chr17:4,899,596, A>G on the plus strand (T>C on the coding strand, the complement: CHRNE is on the minus strand). VCF-style: chr17-4899596-A-G. GRCh37 (hg19) VCF-style: chr17-4802891-A-G.
Other names: c.-167A>G (NM_001145536.2).
Identifiers: ClinVar variation 380910 (VCV000380910.15), dbSNP rs375376258, ClinGen allele CA8314103.